The following is an entry in ClinVar:

NM_001037333.3(CYFIP2):c.782A>G (p.His261Arg)

Gene: CYFIP2 (cytoplasmic FMR1 interacting protein 2; plus strand). Cytogenetic location: 5q33.3.
Variant type: single nucleotide variant.
Coding change: c.782A>G on transcript NM_001037333.3 (MANE Select); coding-DNA position 782, A replaced by G.
Protein change: p.His261Arg; replaces histidine 261 with arginine.
Molecular consequence: missense variant.
Genome position (GRCh38, 1-based): chr5:157,304,353, A>G. VCF-style: chr5-157304353-A-G. GRCh37 (hg19) VCF-style: chr5-156731361-A-G.
Other names: c.704A>G, p.His235Arg (NM_001291721.2); c.782A>G, p.His261Arg (NM_001291722.2, NM_014376.4); short protein forms H235R, H261R.
Identifiers: ClinVar variation 4975364 (VCV004975364.1).

ClinVar aggregate classification (germline): Uncertain significance (1 of 4 stars; one submission).

Submission:

GeneDx
Classification: Uncertain significance. Last evaluated: 2026-01-22. Review status: criteria provided, single submitter. Criteria: GeneDx Variant Classification Process June 2021. Collection method: clinical testing. Allele origin: germline.
Comment: Not observed at significant frequency in large population cohorts (gnomAD); In silico analysis supports that this missense variant has a deleterious effect on protein structure/function; Has not been previously published as pathogenic or benign to our knowledge